The following is an entry in ClinVar:

NM_002700.3(POU4F3):c.590G>C (p.Arg197Pro)

Genes: POU4F3 (POU class 4 homeobox 3; plus strand), RBM27-POU4F3 (RBM27-POU4F3 readthrough; plus strand). Cytogenetic location: 5q32.
Variant type: single nucleotide variant.
Coding change: c.590G>C on transcript NM_002700.3 (MANE Select); coding-DNA position 590, G replaced by C.
Protein change: p.Arg197Pro; replaces arginine 197 with proline.
Molecular consequence: missense variant.
Genome position (GRCh38, 1-based): chr5:146,340,017, G>C. VCF-style: chr5-146340017-G-C. GRCh37 (hg19) VCF-style: chr5-145719580-G-C.
Other names: short protein forms R197P.
Identifiers: ClinVar variation 1695580 (VCV001695580.4), dbSNP rs2126961676, ClinGen allele CA361621334.

ClinVar aggregate classification (germline): Uncertain significance (1 of 4 stars; one submission).

Submission:

GeneDx
Classification: Uncertain significance. Last evaluated: 2025-10-02. Review status: criteria provided, single submitter. Criteria: GeneDx Variant Classification Process June 2021. Collection method: clinical testing. Allele origin: germline. Affected: yes.
Comment: Not observed at significant frequency in large population cohorts (gnomAD); In silico analysis supports that this missense variant has a deleterious effect on protein structure/function; Has not been previously published as pathogenic or benign to our knowledge